The following is an entry in ClinVar:

ClinVar aggregate classification (germline): Conflicting classifications of pathogenicity. Review status: criteria provided, conflicting classifications (1 of 4 stars). 2 submissions from 2 submitters: Likely pathogenic (1); Uncertain significance (1). Last evaluated 2026-01-19.

Conditions:
Walker-Warburg congenital muscular dystrophy. Also called: Muscular dystrophy-dystroglycanopathy, type A; Walker-Warburg syndrome. Identifiers: Orphanet 899, MedGen C0265221, MONDO:0000171.
Autosomal recessive limb-girdle muscular dystrophy type 2K. Also called: MUSCULAR DYSTROPHY, LIMB-GIRDLE, TYPE 2K; MUSCULAR DYSTROPHY-DYSTROGLYCANOPATHY (LIMB-GIRDLE), TYPE C, 1. Identifiers: Orphanet 86812, MedGen C1836373, MONDO:0012248, OMIM 609308.
Muscular dystrophy-dystroglycanopathy (congenital with impaired intellectual development), type B, 1. Also called: MUSCULAR DYSTROPHY, CONGENITAL, POMT1-RELATED; Muscular dystrophy-dystroglycanopathy (congenital with intellectual disability), type B1. Identifiers: MedGen C5436962, MONDO:0013159, OMIM 613155.
Muscular dystrophy-dystroglycanopathy (congenital with brain and eye anomalies), type A1 (MDDGA1). Also called: WALKER-WARBURG SYNDROME OR MUSCLE-EYE-BRAIN DISEASE, POMT1-RELATED; Hydrocephalus, agyria and retinal dysplasia; Hard +/- E syndrome; Warburg syndrome; Chemke syndrome; Pagon syndrome. Identifiers: Orphanet 588, Orphanet 899, MedGen C4284790, MONDO:0009364, OMIM 236670.

gnomAD v4.1: 3 of 1,614,102 alleles (0.00019%); highest among the groups gnomAD compares: Admixed American, 0.0033%; no homozygotes.

Submissions (2):

Labcorp Genetics (formerly Invitae), Labcorp
Classification: Likely pathogenic for Muscular dystrophy-dystroglycanopathy (congenital with impaired intellectual development), type B, 1; Walker-Warburg congenital muscular dystrophy; Autosomal recessive limb-girdle muscular dystrophy type 2K. Last evaluated: 2026-01-19. Review status: criteria provided, single submitter. Criteria: Invitae Variant Classification Sherloc (09022015). Collection method: clinical testing. Allele origin: germline.
Comment: This sequence change affects a donor splice site in intron 8 of the POMT1 gene. It is expected to disrupt RNA splicing. Variants that disrupt the donor or acceptor splice site typically lead to a loss of protein function (PMID: 16199547), and loss-of-function variants in POMT1 are known to be pathogenic (PMID: 12369018, 15637732, 16575835). This variant is present in population databases (no rsID available, gnomAD 0.006%). Disruption of this splice site has been observed in individual(s) with clinical features of POMT1-related conditions (PMID: 32528171). ClinVar contains an entry for this variant (Variation ID: 1348183). In summary, the currently available evidence indicates that the variant is pathogenic, but additional data are needed to prove that conclusively. Therefore, this variant has been classified as Likely Pathogenic.

Baylor Genetics
Classification: Uncertain significance for Muscular dystrophy-dystroglycanopathy (congenital with brain and eye anomalies), type A1. Last evaluated: 2025-04-11. Review status: criteria provided, single submitter. Criteria: ACMG Guidelines, 2015. Collection method: clinical testing. Allele origin: unknown.
Comment: Classified VUS because we curate POMT1 exon 8 variants with regard to MANE isoform NM_001077365.2, not NM_007171.4. Splicing algorithms agree with MANE, showing that the natural splicing site is expected to be after c.699. And this conclusion is strengthened by the benign nature of NM_007171.4(POMT1):c.751C>T(p.Gln251Ter) which is also known as NM_001077365.2(POMT1):c.699+52C>T in ClinVar 95466.

Literature cited by the submitters: PubMed 16199547 (cited by Labcorp Genetics (formerly Invitae), Labcorp); PubMed 12369018 (cited by Labcorp Genetics (formerly Invitae), Labcorp); PubMed 15637732 (cited by Labcorp Genetics (formerly Invitae), Labcorp); PubMed 16575835 (cited by Labcorp Genetics (formerly Invitae), Labcorp); PubMed 32528171 (cited by Labcorp Genetics (formerly Invitae), Labcorp).

NM_001077365.2(POMT1):c.699+67G>T

Gene: POMT1 (protein O-mannosyltransferase 1; plus strand). Cytogenetic location: 9q34.13.
Variant type: single nucleotide variant.
Coding change: c.699+67G>T on transcript NM_001077365.2 (MANE Select); 67 bases into the intron after coding-DNA position 699, G replaced by T.
Molecular consequence: intron variant. On other transcripts: missense variant (1), splice donor variant (6).
Genome position (GRCh38, 1-based): chr9:131,510,063, G>T. VCF-style: chr9-131510063-G-T. GRCh37 (hg19) VCF-style: chr9-134385450-G-T.
Other names: c.604G>T, p.Val202Leu (NM_001374689.1); c.603+1G>T (NM_001353198.2, NM_001353197.2); c.765+1G>T (NM_001353193.2, NM_007171.4); c.699+67G>T (NM_001136113.2, NM_001374690.1); c.537+67G>T (NM_001353194.2, NM_001077366.2, NM_001374693.1); c.348+67G>T (NM_001374691.1, NM_001353195.2, NM_001374692.1 and 1 more transcripts); c.609+67G>T (NM_001353196.2); c.309+1G>T (NM_001374695.1); and 3 more; short protein forms V202L.
Identifiers: ClinVar variation 1348183 (VCV001348183.9), dbSNP rs776061161, ClinGen allele CA375307608.
Genomic context (GRCh38, chr9:131,510,063, plus strand): 5'-GCTGATGTCCAGTGCTGCATGAGGCCGGCCTGTATGGGGCAGATGCAGATGTCACAGGGG[G>T]TACTTGGTGAAAAGACTCCAATCCTCAATGTTTTAGAAGCAGGCAGGCCTGGGCAGCCTC-3'